The following is an entry in ClinVar:

ClinVar aggregate classification (germline): Benign/Likely benign. Review status: criteria provided, multiple submitters, no conflicts (2 of 4 stars). 3 submissions from 3 submitters: Benign (1); Likely benign (2). Last evaluated 2025-03-13.

Conditions:
Pheochromocytoma/paraganglioma syndrome 4. Also called: CAROTID BODY TUMORS AND MULTIPLE EXTRAADRENAL PHEOCHROMOCYTOMAS; SDHB-Related Hereditary Paraganglioma-Pheochromocytoma Syndrome (Paragangliomas 4); SDHB-Related Hereditary Paraganglioma-Pheochromocytoma Syndrome; PARAGANGLIOMA, FAMILIAL MALIGNANT; PARAGANGLIOMAS, HEREDITARY EXTRAADRENAL; PHEOCHROMOCYTOMA, FAMILIAL EXTRAADRENAL. Identifiers: Orphanet 29072, MedGen C1861848, MONDO:0007273, OMIM 115310.
Gastrointestinal stromal tumor. Also called: Gastrointestinal stromal tumor, somatic; Gastrointestinal stroma tumor. Identifiers: Orphanet 44890, MedGen C0238198, MeSH D046152, MONDO:0011719, OMIM 606764, HP:0100723.
Pheochromocytoma. Also called: MAX-Related Hereditary Paraganglioma-Pheochromocytoma Syndrome. Identifiers: Orphanet 29072, MedGen C0031511, MONDO:0008233, OMIM 171300, HP:0002666.
Hereditary cancer-predisposing syndrome. Also called: Neoplastic Syndromes, Hereditary; Tumor predisposition; Hereditary Cancer Syndrome; Hereditary neoplastic syndrome. Identifiers: Orphanet 140162, MedGen C0027672, MeSH D009386, MONDO:0015356.

Allele frequency attached by ClinVar (database versions not stated): gnomAD exomes below 0.00001.
gnomAD v4.1: 1 of 1,612,546 alleles (0.000062%); highest among the groups gnomAD compares: Admixed American, 0.0017%; no homozygotes.

Submissions (3):

Myriad Genetics, Inc.
Classification: Benign for Pheochromocytoma/paraganglioma syndrome 4. Last evaluated: 2025-03-13. Review status: criteria provided, single submitter. Criteria: Myriad Autosomal Dominant, Autosomal Recessive and X-Linked Classification Criteria (2023). Collection method: clinical testing. Allele origin: unknown.
Comment: This variant is considered benign. This variant is a silent/synonymous amino acid change and it is not expected to impact splicing.

Labcorp Genetics (formerly Invitae), Labcorp
Classification: Likely benign for Gastrointestinal stromal tumor; Pheochromocytoma/paraganglioma syndrome 4; Pheochromocytoma. Last evaluated: 2023-05-05. Review status: criteria provided, single submitter. Criteria: Invitae Variant Classification Sherloc (09022015). Collection method: clinical testing. Allele origin: germline.

Ambry Genetics
Classification: Likely benign for Hereditary cancer-predisposing syndrome. Last evaluated: 2019-12-05. Review status: criteria provided, single submitter. Criteria: Ambry Variant Classification Scheme 2023. Collection method: clinical testing. Allele origin: germline.

NM_003000.3(SDHB):c.789T>C (p.Ile263=)

Gene: SDHB (succinate dehydrogenase complex iron sulfur subunit B; minus strand). Cytogenetic location: 1p36.13.
Variant type: single nucleotide variant.
Coding change: c.789T>C on transcript NM_003000.3 (MANE Select); coding-DNA position 789, T replaced by C.
Protein change: p.Ile263=; no amino-acid change (isoleucine 263 retained).
Molecular consequence: synonymous variant.
Genome position (GRCh38, 1-based): chr1:17,018,935, A>G on the plus strand (T>C on the coding strand, the complement: SDHB is on the minus strand). VCF-style: chr1-17018935-A-G. GRCh37 (hg19) VCF-style: chr1-17345430-A-G.
Identifiers: ClinVar variation 827319 (VCV000827319.12), dbSNP rs1395418494, ClinGen allele CA416080502.
Genomic context (GRCh38, chr1:17,018,935, plus strand): 5'-AAACAGTTAAACTGAAGCTTTCTTCTCCTTATAGGTTGCCATCATTTTCTTGATCTCTGC[A>G]ATAGCTTTCCCTGGATTCAGACCCTTGAAAAAAGAGAAAAGAATCAATAACAAATGATAA-3'
Protein context (NP_002991.2, residues 253-273): CPKGLNPGKA[Ile263=]AEIKKMMATY